The following is an entry in ClinVar:

ClinVar aggregate classification (germline): Benign/Likely benign. Review status: criteria provided, multiple submitters, no conflicts (2 of 4 stars). 6 submissions from 5 submitters: Benign (3); Likely benign (2). 1 of the submissions does not count toward it. Last evaluated 2026-01-06.

Conditions:
KCNT1-related disorder. Also called: KCNT1-related condition.
Inborn genetic diseases. Identifiers: MedGen C0950123, MeSH D030342.
Developmental and epileptic encephalopathy, 14 (DEE14). Also called: Early infantile epileptic encephalopathy 14. Identifiers: Orphanet 293181, MedGen C3554195, MONDO:0013989, OMIM 614959.
Autosomal dominant nocturnal frontal lobe epilepsy 5. Also called: KCNT1-Related Epilepsy; CILIARY DYSKINESIA, PRIMARY, 28, WITHOUT SITUS INVERSUS; CILIARY DYSKINESIA, PRIMARY, 28, WITH SITUS INVERSUS; Epilepsy, nocturnal frontal lobe, 5. Identifiers: Orphanet 98784, MedGen C3554306, MONDO:0014002, OMIM 615005.

Allele frequency attached by ClinVar (database versions not stated): gnomAD exomes 0.00009; ExAC 0.00017; gnomAD 0.00022 and 0.00023; TOPMed 0.00025; ESP Exome Variant Server 0.00077; 1000 Genomes Project 30x 0.00078; 1000 Genomes Project 0.00080.
gnomAD v4.1: 122 of 1,605,734 alleles (0.0076%); highest among the groups gnomAD compares: African/African-American, 0.076%; 1 homozygote.

Submissions (6):

Labcorp Genetics (formerly Invitae), Labcorp
Classification: Likely benign for Autosomal dominant nocturnal frontal lobe epilepsy 5; Developmental and epileptic encephalopathy, 14. Last evaluated: 2026-01-06. Review status: criteria provided, single submitter. Criteria: Invitae Variant Classification Sherloc (09022015). Collection method: clinical testing. Allele origin: germline.

Ambry Genetics
Classification: Likely benign for Inborn genetic diseases. Last evaluated: 2025-12-15. Review status: criteria provided, single submitter. Criteria: Ambry Variant Classification Scheme 2023. Collection method: clinical testing. Allele origin: germline.

Genome-Nilou Lab
Classification: Benign for Developmental and epileptic encephalopathy, 14. Last evaluated: 2022-03-15. Review status: criteria provided, single submitter. Criteria: ACMG Guidelines, 2015. Collection method: clinical testing. Allele origin: germline. Affected: no.

Genome-Nilou Lab
Classification: Benign for Autosomal dominant nocturnal frontal lobe epilepsy 5. Last evaluated: 2022-03-15. Review status: criteria provided, single submitter. Criteria: ACMG Guidelines, 2015. Collection method: clinical testing. Allele origin: germline. Affected: no.

GeneDx
Classification: Benign. Last evaluated: 2019-04-11. Review status: criteria provided, single submitter. Criteria: GeneDx Variant Classification Process June 2021. Collection method: clinical testing. Allele origin: germline. Affected: yes.
Comment: Has not been previously published as pathogenic or benign to our knowledge

PreventionGenetics, part of Exact Sciences
Classification: Likely benign for KCNT1-related condition. Last evaluated: 2023-05-22. Review status: no assertion criteria provided. Collection method: clinical testing. Allele origin: germline. Not counted in ClinVar's aggregate classification.
Comment: This variant is classified as likely benign based on ACMG/AMP sequence variant interpretation guidelines (Richards et al. 2015 PMID: 25741868, with internal and published modifications).

NM_020822.3(KCNT1):c.3694G>A (p.Glu1232Lys)

Gene: KCNT1 (potassium sodium-activated channel subfamily T member 1; plus strand). Cytogenetic location: 9q34.3.
Variant type: single nucleotide variant.
Coding change: c.3694G>A on transcript NM_020822.3 (MANE Select); coding-DNA position 3694, G replaced by A.
Protein change: p.Glu1232Lys; replaces glutamic acid 1232 with lysine.
Molecular consequence: missense variant.
Genome position (GRCh38, 1-based): chr9:135,792,147, G>A. VCF-style: chr9-135792147-G-A. GRCh37 (hg19) VCF-style: chr9-138683993-G-A.
Other names: c.3622G>A, p.Glu1208Lys (NM_001272003.2); short protein forms E1232K, E1208K.
Identifiers: ClinVar variation 378039 (VCV000378039.18), dbSNP rs138109494, ClinGen allele CA5328027.